The following is an entry in ClinVar:

NM_001122955.4(BSCL2):c.87+3del

Genes: BSCL2 (BSCL2 lipid droplet biogenesis associated, seipin; minus strand), GNG3 (G protein subunit gamma 3; plus strand), HNRNPUL2-BSCL2 (HNRNPUL2-BSCL2 readthrough (NMD candidate); minus strand). Cytogenetic location: 11q12.3.
Variant type: Deletion.
Coding change: c.87+3del on transcript NM_001122955.4 (MANE Select); 3 bases into the intron after coding-DNA position 87, one base deleted (A; older notation c.87+3delA).
Molecular consequence: intron variant.
Genome position (GRCh38, 1-based): chr11:62,707,106, T deleted on the plus strand (A on the coding strand, the reverse complement: BSCL2 is on the minus strand). VCF-style (leftmost placement, unchanged base first): chr11-62707105-CT-C. GRCh37 (hg19) VCF-style: chr11-62474577-CT-C.
Other names: c.87+3del (NM_001386028.1, NM_001386027.1).
Identifiers: ClinVar variation 4883903 (VCV004883903.2).
Genomic context (GRCh38, chr11:62,707,105, plus strand): 5'-CCCTTCACGCCAGCCCACCTATTTCCAGTATATTTCTGCTGACTGTCCCCACAAGGGCCC[CT>C]ACCTCCTCTTTGTCCGGTCCTTTGATCTGGTCTCCGCACACCTCTTTTTCCCCAGCTTCC-3'

ClinVar aggregate classification (germline): Uncertain significance (1 of 4 stars; one submission).

Submission:

Dasa
Classification: Uncertain significance. Last evaluated: 2026-01-04. Review status: criteria provided, single submitter. Criteria: DASA Assertion Criteria. Collection method: clinical testing. Allele origin: germline.
Comment: NM_001122955.4(BSCL2):c.87+3del is a splice-region variant. This variant is absent from population databases. The currently available literature and clinical evidence are not sufficient to establish a definitive association between this variant and the reported condition. Therefore, this variant is classified as a variant of uncertain significance.